The following is an entry in ClinVar:

NM_014846.4(WASHC5):c.3103C>T (p.Arg1035Cys)

Gene: WASHC5 (WASH complex subunit 5; minus strand). Cytogenetic location: 8q24.13.
Variant type: single nucleotide variant.
Coding change: c.3103C>T on transcript NM_014846.4 (MANE Select); coding-DNA position 3103, C replaced by T.
Protein change: p.Arg1035Cys; replaces arginine 1035 with cysteine.
Molecular consequence: missense variant.
Genome position (GRCh38, 1-based): chr8:125,037,315, G>A on the plus strand (C>T on the coding strand, the complement: WASHC5 is on the minus strand). VCF-style: chr8-125037315-G-A. GRCh37 (hg19) VCF-style: chr8-126049557-G-A.
Other names: c.3103C>T (NM_014846.3); c.2659C>T, p.Arg887Cys (NM_001330609.2); short protein forms R1035C, R887C.
Identifiers: ClinVar variation 1503877 (VCV001503877.10), dbSNP rs758843087, ClinGen allele CA4873309.

ClinVar aggregate classification (germline): Uncertain significance. Review status: criteria provided, multiple submitters, no conflicts (2 of 4 stars). 3 submissions from 3 submitters: Uncertain significance (3). Last evaluated 2024-12-07.

Conditions:
WASHC5-related disorder. Also called: WASHC5-related condition.
Hereditary spastic paraplegia 8 (SPG8). Also called: SPASTIC PARAPLEGIA 8, AUTOSOMAL DOMINANT. Identifiers: Orphanet 100989, MedGen C1863704, MONDO:0011339, OMIM 603563.
Ritscher-Schinzel syndrome. Also called: CRANIOCEREBELLOCARDIAC DYSPLASIA. Identifiers: Orphanet 7, MedGen C0796137, MONDO:0019078.

Allele frequency attached by ClinVar (database versions not stated): gnomAD 0.00004 and 0.00005; TOPMed 0.00005.
gnomAD v4.1: 85 of 1,607,888 alleles (0.0053%); highest among the groups gnomAD compares: Non-Finnish European, 0.0071%; no homozygotes.

Submissions (3):

Labcorp Genetics (formerly Invitae), Labcorp
Classification: Uncertain significance for Ritscher-Schinzel syndrome; Hereditary spastic paraplegia 8. Last evaluated: 2024-12-07. Review status: criteria provided, single submitter. Criteria: Invitae Variant Classification Sherloc (09022015). Collection method: clinical testing. Allele origin: germline.
Comment: This sequence change replaces arginine, which is basic and polar, with cysteine, which is neutral and slightly polar, at codon 1035 of the WASHC5 protein (p.Arg1035Cys). This variant is present in population databases (rs758843087, gnomAD 0.008%). This missense change has been observed in individuals with hereditary spastic paraplegia (PMID: 24123792; internal data). ClinVar contains an entry for this variant (Variation ID: 1503877). Invitae Evidence Modeling of protein sequence and biophysical properties (such as structural, functional, and spatial information, amino acid conservation, physicochemical variation, residue mobility, and thermodynamic stability) indicates that this missense variant is not expected to disrupt WASHC5 protein function with a negative predictive value of 80%. In summary, the available evidence is currently insufficient to determine the role of this variant in disease. Therefore, it has been classified as a Variant of Uncertain Significance.

Blueprint Genetics
Classification: Uncertain significance. Last evaluated: 2024-07-05. Review status: criteria provided, single submitter. Criteria: ACMG Guidelines, 2015. Collection method: clinical testing. Allele origin: germline.

PreventionGenetics, part of Exact Sciences
Classification: Uncertain significance for WASHC5-related condition. Last evaluated: 2023-01-11. Review status: criteria provided, single submitter. Criteria: ACMG Guidelines, 2015. Collection method: clinical testing. Allele origin: germline.
Comment: The WASHC5 c.3103C>T variant is predicted to result in the amino acid substitution p.Arg1035Cys. This variant, also known as KIAA0196 c.3103C>T in the literature, has been reported in individuals with hereditary spastic paraplegia (Supp Table S14, Neveling et al 2013. PubMed ID: 24123792; Table 2, van de Warrenburg et al. 2016. PubMed ID: 27165006). This variant is reported in 0.0080% of alleles in individuals of African descent in gnomAD. Although we suspect that this variant may be pathogenic, at this time, the clinical significance of this variant is uncertain due to the absence of conclusive functional and genetic evidence.

Literature cited by the submitters: PubMed 24123792 (cited by Labcorp Genetics (formerly Invitae), Labcorp).